The following is an entry in ClinVar:

NM_003836.7(DLK1):c.603C>T (p.Ile201=)

Gene: DLK1 (delta like non-canonical Notch ligand 1; plus strand). Cytogenetic location: 14q32.2.
Variant type: single nucleotide variant.
Coding change: c.603C>T on transcript NM_003836.7 (MANE Select); coding-DNA position 603, C replaced by T.
Protein change: p.Ile201=; no amino-acid change (isoleucine 201 retained).
Molecular consequence: synonymous variant.
Genome position (GRCh38, 1-based): chr14:100,734,347, C>T. VCF-style: chr14-100734347-C-T. GRCh37 (hg19) VCF-style: chr14-101200684-C-T.
Other names: c.603C>T, p.Ile201= (NM_001317172.2).
Identifiers: ClinVar variation 710044 (VCV000710044.6), dbSNP rs34429112, ClinGen allele CA7346671.
Genomic context (GRCh38, chr14:100,734,347, plus strand): 5'-CGACGGCGTCTGCACTGACATTGGGGGCGACTTCCGCTGCCGGTGCCCAGCCGGCTTCAT[C>T]GACAAGACCTGCAGCCGCCCGGTGACCAACTGCGCCAGCAGCCCGTGCCAGAACGGGGGC-3'
Protein context (NP_003827.4, residues 191-211): DFRCRCPAGF[Ile201=]DKTCSRPVTN

ClinVar aggregate classification (germline): Benign. Review status: criteria provided, single submitter (1 of 4 stars). 2 submissions from 2 submitters: Benign (1). 1 of the submissions does not count toward it. Last evaluated 2019-12-31.

Conditions:
DLK1-related disorder. Also called: DLK1-related condition.

Allele frequency attached by ClinVar (database versions not stated): gnomAD exomes 0.00063; ExAC 0.00081; ESP Exome Variant Server 0.00269; gnomAD 0.00279 and 0.00299; 1000 Genomes Project 30x 0.00297; 1000 Genomes Project 0.00300; TOPMed 0.00305.

Submissions (2):

Labcorp Genetics (formerly Invitae), Labcorp
Classification: Benign. Last evaluated: 2019-12-31. Review status: criteria provided, single submitter. Criteria: Invitae Variant Classification Sherloc (09022015). Collection method: clinical testing. Allele origin: germline.

PreventionGenetics, part of Exact Sciences
Classification: Benign for DLK1-related condition. Last evaluated: 2019-05-23. Review status: no assertion criteria provided. Collection method: clinical testing. Allele origin: germline. Not counted in ClinVar's aggregate classification.
Comment: This variant is classified as benign based on ACMG/AMP sequence variant interpretation guidelines (Richards et al. 2015 PMID: 25741868, with internal and published modifications).